The following is an entry in ClinVar:

ClinVar aggregate classification (germline): Uncertain significance (1 of 4 stars; one submission).

gnomAD v4.1: 45 of 1,525,914 alleles (0.0029%); highest among the groups gnomAD compares: Non-Finnish European, 0.0011%; no homozygotes.

Submission:

CeGaT Center for Human Genetics Tuebingen
Classification: Uncertain significance. Last evaluated: 2024-03-01. Review status: criteria provided, single submitter. Criteria: CeGaT Center For Human Genetics Tuebingen Variant Classification Criteria Version 2. Collection method: clinical testing. Allele origin: germline. Affected: yes. Observed: 1 variant allele.
Comment: COL18A1: PM2, BP4

NM_001379500.1(COL18A1):c.107-11421G>T

Gene: COL18A1 (collagen type XVIII alpha 1 chain; plus strand). Cytogenetic location: 21q22.3.
Variant type: single nucleotide variant.
Coding change: c.107-11421G>T on transcript NM_001379500.1 (MANE Select); 11421 bases into the intron before coding-DNA position 107, G replaced by T.
Molecular consequence: intron variant. On other transcripts: missense variant (1).
Genome position (GRCh38, 1-based): chr21:45,456,821, G>T. VCF-style: chr21-45456821-G-T. GRCh37 (hg19) VCF-style: chr21-46876735-G-T.
Other names: c.1291G>T, p.Ala431Ser (NM_130444.3); c.646+645G>T (NM_030582.4); short protein forms A431S.
Identifiers: ClinVar variation 3026396 (VCV003026396.22), dbSNP rs762263431, ClinGen allele CA10065657.